The following is an entry in ClinVar:

NM_001098426.2(SMARCD2):c.21C>T (p.Gly7=)

Gene: SMARCD2 (SWI/SNF related BAF chromatin remodeling complex subunit D2; minus strand). Cytogenetic location: 17q23.3.
Variant type: single nucleotide variant.
Coding change: c.21C>T on transcript NM_001098426.2 (MANE Select); coding-DNA position 21, C replaced by T.
Protein change: p.Gly7=; no amino-acid change (glycine 7 retained).
Molecular consequence: synonymous variant.
Genome position (GRCh38, 1-based): chr17:63,842,654, G>A on the plus strand (C>T on the coding strand, the complement: SMARCD2 is on the minus strand). VCF-style: chr17-63842654-G-A. GRCh37 (hg19) VCF-style: chr17-61920014-G-A.
Identifiers: ClinVar variation 3668603 (VCV003668603.2).

ClinVar aggregate classification (germline): Uncertain significance (1 of 4 stars; one submission).

Submission:

Labcorp Genetics (formerly Invitae), Labcorp
Classification: Uncertain significance. Last evaluated: 2024-05-23. Review status: criteria provided, single submitter. Criteria: Invitae Variant Classification Sherloc (09022015). Collection method: clinical testing. Allele origin: germline.
Comment: This sequence change affects codon 7 of the SMARCD2 mRNA. It is a 'silent' change, meaning that it does not change the encoded amino acid sequence of the SMARCD2 protein. This variant is not present in population databases (gnomAD no frequency). This variant has not been reported in the literature in individuals affected with SMARCD2-related conditions. Algorithms developed to predict the effect of sequence changes on RNA splicing suggest that this variant may create or strengthen a splice site. In summary, the available evidence is currently insufficient to determine the role of this variant in disease. Therefore, it has been classified as a Variant of Uncertain Significance.